The following is an entry in ClinVar:

NM_001430.5(EPAS1):c.925A>G (p.Met309Val)

Gene: EPAS1 (endothelial PAS domain protein 1; plus strand). Cytogenetic location: 2p21.
Variant type: single nucleotide variant.
Coding change: c.925A>G on transcript NM_001430.5 (MANE Select); coding-DNA position 925, A replaced by G.
Protein change: p.Met309Val; replaces methionine 309 with valine.
Molecular consequence: missense variant.
Genome position (GRCh38, 1-based): chr2:46,375,728, A>G. VCF-style: chr2-46375728-A-G. GRCh37 (hg19) VCF-style: chr2-46602867-A-G.
Other names: short protein forms M309V.
Identifiers: ClinVar variation 3509001 (VCV003509001.1).

ClinVar aggregate classification (germline): Uncertain significance (1 of 4 stars; one submission).

Conditions:
Inborn genetic diseases. Identifiers: MedGen C0950123, MeSH D030342.

Submission:

Ambry Genetics
Classification: Uncertain significance for Inborn genetic diseases. Last evaluated: 2024-10-13. Review status: criteria provided, single submitter. Criteria: Ambry Variant Classification Scheme 2023. Collection method: clinical testing. Allele origin: germline.
Comment: The p.M309V variant (also known as c.925A>G), located in coding exon 8 of the EPAS1 gene, results from an A to G substitution at nucleotide position 925. The methionine at codon 309 is replaced by valine, an amino acid with highly similar properties. This amino acid position is conserved. In addition, the in silico prediction for this alteration is inconclusive. Based on the available evidence, the clinical significance of this variant remains unclear.